The following is an entry in ClinVar:

NM_004787.4(SLIT2):c.195T>C (p.Asn65=)

Gene: SLIT2 (slit guidance ligand 2; plus strand). Cytogenetic location: 4p15.31.
Variant type: single nucleotide variant.
Coding change: c.195T>C on transcript NM_004787.4 (MANE Select); coding-DNA position 195, T replaced by C.
Protein change: p.Asn65=; no amino-acid change (asparagine 65 retained).
Molecular consequence: synonymous variant.
Genome position (GRCh38, 1-based): chr4:20,256,687, T>C. VCF-style: chr4-20256687-T-C. GRCh37 (hg19) VCF-style: chr4-20258310-T-C.
Other names: c.195T>C, p.Asn65= (NM_001289135.3, NM_001289136.3).
Identifiers: ClinVar variation 749387 (VCV000749387.27), dbSNP rs553533326, ClinGen allele CA2871003.

ClinVar aggregate classification (germline): Benign. Review status: criteria provided, multiple submitters, no conflicts (2 of 4 stars). 2 submissions from 2 submitters: Benign (2). Last evaluated 2022-10-01.

Allele frequency attached by ClinVar (database versions not stated): gnomAD 0.00003 and 0.00011; TOPMed 0.00005; gnomAD exomes 0.00026 and 0.00046; 1000 Genomes Project 30x 0.00031; 1000 Genomes Project 0.00040; ExAC 0.00051.
gnomAD v4.1: 377 of 1,568,854 alleles (0.024%); highest among the groups gnomAD compares: South Asian, 0.38%; 7 homozygotes.

Submissions (2):

CeGaT Center for Human Genetics Tuebingen
Classification: Benign. Last evaluated: 2022-10-01. Review status: criteria provided, single submitter. Criteria: CeGaT Center For Human Genetics Tuebingen Variant Classification Criteria Version 2. Collection method: clinical testing. Allele origin: germline. Affected: yes. Observed: 1 variant allele.
Comment: SLIT2: BS1, BS2

Labcorp Genetics (formerly Invitae), Labcorp
Classification: Benign. Last evaluated: 2018-06-21. Review status: criteria provided, single submitter. Criteria: Invitae Variant Classification Sherloc (09022015). Collection method: clinical testing. Allele origin: germline.